The following is an entry in ClinVar:

ClinVar aggregate classification (germline): Benign. Review status: criteria provided, multiple submitters, no conflicts (2 of 4 stars). 3 submissions from 3 submitters: Benign (3). Last evaluated 2026-05-11.

Conditions:
Short stature-pituitary and cerebellar defects-small sella turcica syndrome (CPHD4). Also called: Pituitary hormone deficiency, combined with or without cerebellar defects; Short stature, pituitary and cerebellar defects and small sella turcica. Identifiers: Orphanet 85442, MedGen C2678408, MONDO:0009880, OMIM 262700.

Allele frequency attached by ClinVar (database versions not stated): TOPMed 0.01101; 1000 Genomes Project 30x 0.01140; 1000 Genomes Project 0.01178; ESP Exome Variant Server 0.01093.
gnomAD v4.1: 3,093 of 1,543,226 alleles (0.2%); highest among the groups gnomAD compares: African/African-American, 3.6%; 60 homozygotes.

Submissions (3):

Women's Health and Genetics/Laboratory Corporation of America, LabCorp
Classification: Benign. Last evaluated: 2026-05-11. Review status: criteria provided, single submitter. Criteria: LabCorp Variant Classification Summary - May 2015. Collection method: clinical testing. Allele origin: germline.

Illumina Laboratory Services, Illumina
Classification: Benign for Short stature-pituitary and cerebellar defects-small sella turcica syndrome. Last evaluated: 2018-01-12. Review status: criteria provided, single submitter. Criteria: ICSL Variant Classification Criteria 13 December 2019. Collection method: clinical testing. Allele origin: germline.
Comment: This variant was observed in the ICSL laboratory as part of a predisposition screen in an ostensibly healthy population. It had not been previously curated by ICSL or reported in the Human Gene Mutation Database (HGMD: prior to June 1st, 2018), and was therefore a candidate for classification through an automated scoring system. Utilizing variant allele frequency, disease prevalence and penetrance estimates, and inheritance mode, an automated score was calculated to assess if this variant is too frequent to cause the disease. Based on the score and internal cut-off values, a variant classified as benign is not then subjected to further curation. The score for this variant resulted in a classification of benign for this disease.

Breakthrough Genomics
Classification: Benign. Review status: criteria provided, single submitter. Criteria: ACMG Guidelines, 2015. Collection method: not provided. Allele origin: germline. Inheritance: Autosomal dominant inheritance. Affected: yes.

NM_033343.4(LHX4):c.*17C>A

Genes: ACBD6 (acyl-CoA binding domain containing 6; minus strand), LHX4 (LIM homeobox 4; plus strand), LHX4-AS1 (LHX4 antisense RNA 1; minus strand). Cytogenetic location: 1q25.2.
Variant type: single nucleotide variant.
Coding change: c.*17C>A on transcript NM_033343.4 (MANE Select); 17 bases downstream of the stop codon, C replaced by A.
Molecular consequence: 3 prime UTR variant.
Genome position (GRCh38, 1-based): chr1:180,274,596, C>A. VCF-style: chr1-180274596-C-A. GRCh37 (hg19) VCF-style: chr1-180243731-C-A.
Identifiers: ClinVar variation 293872 (VCV000293872.7), dbSNP rs116482990, ClinGen allele CA1272103.